The following is an entry in ClinVar:

NM_001291303.3(FAT4):c.14940A>G (p.Glu4980=)

Gene: FAT4 (FAT atypical cadherin 4; plus strand). Cytogenetic location: 4q28.1.
Variant type: single nucleotide variant.
Coding change: c.14940A>G on transcript NM_001291303.3 (MANE Select); coding-DNA position 14940, A replaced by G.
Protein change: p.Glu4980=; no amino-acid change (glutamic acid 4980 retained).
Molecular consequence: synonymous variant.
Genome position (GRCh38, 1-based): chr4:125,491,756, A>G. VCF-style: chr4-125491756-A-G. GRCh37 (hg19) VCF-style: chr4-126412911-A-G.
Other names: c.14937A>G, p.Glu4979= (NM_001291285.3); c.14934A>G, p.Glu4978= (NM_024582.6).
Identifiers: ClinVar variation 733414 (VCV000733414.37), dbSNP rs149073729, ClinGen allele CA3074647.

ClinVar aggregate classification (germline): Benign/Likely benign. Review status: criteria provided, multiple submitters, no conflicts (2 of 4 stars). 9 submissions from 9 submitters: Benign (1); Likely benign (6). 2 of the submissions do not count toward it. Last evaluated 2026-09-01.

Allele frequency attached by ClinVar (database versions not stated): ESP Exome Variant Server 0.00069; gnomAD 0.00088 and 0.00092; gnomAD exomes 0.00097 and 0.00133; TOPMed 0.00098; ExAC 0.00173; 1000 Genomes Project 0.00220; 1000 Genomes Project 30x 0.00234.

Submissions (9):

CeGaT Center for Human Genetics Tuebingen
Classification: Likely benign. Last evaluated: 2026-09-01. Review status: criteria provided, single submitter. Criteria: CeGaT Center For Human Genetics Tuebingen Variant Classification Criteria Version 2. Collection method: clinical testing. Allele origin: germline. Affected: yes. Observed: 10 variant alleles.
Comment: FAT4: BP4, BP7

Labcorp Genetics (formerly Invitae), Labcorp
Classification: Benign. Last evaluated: 2026-01-24. Review status: criteria provided, single submitter. Criteria: Invitae Variant Classification Sherloc (09022015). Collection method: clinical testing. Allele origin: germline.

Women's Health and Genetics/Laboratory Corporation of America, LabCorp
Classification: Likely benign. Last evaluated: 2025-09-04. Review status: criteria provided, single submitter. Criteria: LabCorp Variant Classification Summary - May 2015. Collection method: clinical testing. Allele origin: germline.

ARUP Laboratories, Molecular Genetics and Genomics, ARUP Laboratories
Classification: Likely benign. Last evaluated: 2025-07-03. Review status: criteria provided, single submitter. Criteria: ARUP Molecular Germline Variant Investigation Process 2024. Collection method: clinical testing. Allele origin: germline.

Blueprint Genetics
Classification: Likely benign. Last evaluated: 2024-11-25. Review status: criteria provided, single submitter. Criteria: ACMG Guidelines, 2015. Collection method: clinical testing. Allele origin: germline.

GeneDx
Classification: Likely benign. Last evaluated: 2020-10-20. Review status: criteria provided, single submitter. Criteria: GeneDx Variant Classification Process June 2021. Collection method: clinical testing. Allele origin: germline. Affected: yes.

Breakthrough Genomics
Classification: Likely benign. Review status: criteria provided, single submitter. Criteria: ACMG Guidelines, 2015. Collection method: not provided. Allele origin: germline. Inheritance: Autosomal recessive inheritance. Affected: yes.

Clinical Genetics DNA and cytogenetics Diagnostics Lab, Erasmus MC, Erasmus Medical Center
Classification: Likely benign. Review status: no assertion criteria provided. Collection method: clinical testing. Allele origin: germline. Affected: yes. Study: VKGL Data-share Consensus. Not counted in ClinVar's aggregate classification.

Genome Diagnostics Laboratory, University Medical Center Utrecht
Classification: Likely benign. Review status: no assertion criteria provided. Collection method: clinical testing. Allele origin: germline. Affected: yes. Study: VKGL Data-share Consensus. Not counted in ClinVar's aggregate classification.